The following is an entry in ClinVar:

NM_013275.6(ANKRD11):c.4466G>A (p.Arg1489Lys)

Gene: ANKRD11 (ankyrin repeat domain 11; minus strand). Cytogenetic location: 16q24.3.
Variant type: single nucleotide variant.
Coding change: c.4466G>A on transcript NM_013275.6 (MANE Select); coding-DNA position 4466, G replaced by A.
Protein change: p.Arg1489Lys; replaces arginine 1489 with lysine.
Molecular consequence: missense variant.
Genome position (GRCh38, 1-based): chr16:89,282,076, C>T on the plus strand (G>A on the coding strand, the complement: ANKRD11 is on the minus strand). VCF-style: chr16-89282076-C-T. GRCh37 (hg19) VCF-style: chr16-89348484-C-T.
Other names: c.4466G>A, p.Arg1489Lys (NM_001256182.2, NM_001256183.2); short protein forms R1489K.
Identifiers: ClinVar variation 2905021 (VCV002905021.3), dbSNP rs2034298228, ClinGen allele CA397157516.
Genomic context (GRCh38, chr16:89,282,076, plus strand): 5'-CTGTCCTTGTCCCTGGTGGCGGGCTTCTGCTCGTCCCTGTGATGCCGCAGGAGCTCGTCC[C>T]TGTGATGCCGCAGCAGCCCATCCGCATGCCTGTCCCGGTGCCTCTCCTTCTCGTCTCTCC-3'
Protein context (NP_037407.4, residues 1479-1499): RHADGLLRHH[Arg1489Lys]DELLRHHRDE

ClinVar aggregate classification (germline): Uncertain significance (1 of 4 stars; one submission).

Conditions:
KBG syndrome (KBGS). Also called: ANKRD11-Related KBG Syndrome. Identifiers: Orphanet 2332, MedGen C0220687, MONDO:0007846, OMIM 148050.

Allele frequency attached by ClinVar (database versions not stated): gnomAD exomes below 0.00001; TOPMed below 0.00001.
gnomAD v4.1: 1 of 1,613,426 alleles (0.000062%); highest among the groups gnomAD compares: African/African-American, 0.0013%; no homozygotes.

Submission:

Labcorp Genetics (formerly Invitae), Labcorp
Classification: Uncertain significance for KBG syndrome. Last evaluated: 2023-05-28. Review status: criteria provided, single submitter. Criteria: Invitae Variant Classification Sherloc (09022015). Collection method: clinical testing. Allele origin: germline.
Comment: In summary, the available evidence is currently insufficient to determine the role of this variant in disease. Therefore, it has been classified as a Variant of Uncertain Significance. Advanced modeling of protein sequence and biophysical properties (such as structural, functional, and spatial information, amino acid conservation, physicochemical variation, residue mobility, and thermodynamic stability) performed at Invitae indicates that this missense variant is not expected to disrupt ANKRD11 protein function. This variant has not been reported in the literature in individuals affected with ANKRD11-related conditions. This variant is not present in population databases (gnomAD no frequency). This sequence change replaces arginine, which is basic and polar, with lysine, which is basic and polar, at codon 1489 of the ANKRD11 protein (p.Arg1489Lys).